The following is an entry in ClinVar:

NM_002454.3(MTRR):c.538G>A (p.Val180Met)

Gene: MTRR (5-methyltetrahydrofolate-homocysteine methyltransferase reductase; plus strand). Cytogenetic location: 5p15.31.
Variant type: single nucleotide variant.
Coding change: c.538G>A on transcript NM_002454.3 (MANE Select); coding-DNA position 538, G replaced by A.
Protein change: p.Val180Met; replaces valine 180 with methionine.
Molecular consequence: missense variant. On other transcripts: non-coding transcript variant (14).
Genome position (GRCh38, 1-based): chr5:7,878,080, G>A. VCF-style: chr5-7878080-G-A. GRCh37 (hg19) VCF-style: chr5-7878193-G-A.
Other names: c.538G>A (NM_002454.2); c.538G>A, p.Val180Met (NM_001364440.2, NM_001364441.2, NM_001364442.2 and 1 more transcripts); short protein forms V180M.
Identifiers: ClinVar variation 2192784 (VCV002192784.4), dbSNP rs143978300, ClinGen allele CA3195629.
Genomic context (GRCh38, chr5:7,878,080, plus strand): 5'-CAAGAGGAGATAAGTGGCGCACTCCCGGTGGCATCACCTGCATCCTCGAGGACAGACCTT[G>A]TGAAGTCAGAGCTGCTACACATTGAATCTCAAGTCGAGCTTCTGAGATTCGATGATTCAG-3'
Protein context (NP_002445.2, residues 170-190): ASPASSRTDL[Val180Met]KSELLHIESQ

ClinVar aggregate classification (germline): Uncertain significance. Review status: criteria provided, multiple submitters, no conflicts (2 of 4 stars). 2 submissions from 2 submitters: Uncertain significance (2). Last evaluated 2024-02-20.

Conditions:
Inborn genetic diseases. Identifiers: MedGen C0950123, MeSH D030342.
Methylcobalamin deficiency type cblE (HMAE). Also called: VITAMIN B12-RESPONSIVE HOMOCYSTINURIA, cblE TYPE; HOMOCYSTINURIA-MEGALOBLASTIC ANEMIA, cblE COMPLEMENTATION TYPE; HOMOCYSTINURIA-MEGALOBLASTIC ANEMIA, cblE TYPE. Identifiers: Orphanet 2169, Orphanet 622, MedGen C1856057, MONDO:0009354, OMIM 236270.

gnomAD v4.1: 18 of 1,613,876 alleles (0.0011%); highest among the groups gnomAD compares: East Asian, 0.018%; no homozygotes.

Submissions (2):

Labcorp Genetics (formerly Invitae), Labcorp
Classification: Uncertain significance for Methylcobalamin deficiency type cblE. Last evaluated: 2024-02-20. Review status: criteria provided, single submitter. Criteria: Invitae Variant Classification Sherloc (09022015). Collection method: clinical testing. Allele origin: germline.
Comment: This sequence change replaces valine, which is neutral and non-polar, with methionine, which is neutral and non-polar, at codon 180 of the MTRR protein (p.Val180Met). This variant is present in population databases (rs143978300, gnomAD 0.05%). This variant has not been reported in the literature in individuals affected with MTRR-related conditions. ClinVar contains an entry for this variant (Variation ID: 2192784). Algorithms developed to predict the effect of missense changes on protein structure and function output the following: SIFT: "Not Available"; PolyPhen-2: "Benign"; Align-GVGD: "Not Available". The methionine amino acid residue is found in multiple mammalian species, which suggests that this missense change does not adversely affect protein function. In summary, the available evidence is currently insufficient to determine the role of this variant in disease. Therefore, it has been classified as a Variant of Uncertain Significance.

Ambry Genetics
Classification: Uncertain significance for Inborn genetic diseases. Last evaluated: 2024-02-05. Review status: criteria provided, single submitter. Criteria: Ambry Variant Classification Scheme 2023. Collection method: clinical testing. Allele origin: germline.